The following is an entry in ClinVar:

NM_015294.6(TRIM37):c.1739C>T (p.Ala580Val)

Gene: TRIM37 (tripartite motif containing 37; minus strand). Cytogenetic location: 17q22.
Variant type: single nucleotide variant.
Coding change: c.1739C>T on transcript NM_015294.6 (MANE Select); coding-DNA position 1739, C replaced by T.
Protein change: p.Ala580Val; replaces alanine 580 with valine.
Molecular consequence: missense variant. On other transcripts: non-coding transcript variant (2).
Genome position (GRCh38, 1-based): chr17:59,041,827, G>A on the plus strand (C>T on the coding strand, the complement: TRIM37 is on the minus strand). VCF-style: chr17-59041827-G-A. GRCh37 (hg19) VCF-style: chr17-57119188-G-A.
Other names: c.1739C>T, p.Ala580Val (NM_001005207.5, NM_001320988.3, NM_001320989.3 and 1 more transcripts); c.1637C>T, p.Ala546Val (NM_001320987.3, NM_001353082.2); c.1373C>T, p.Ala458Val (NM_001320990.3); c.1004C>T, p.Ala335Val (NM_001353083.2); c.1277C>T, p.Ala426Val (NM_001353085.2); c.1688C>T, p.Ala563Val (NM_001353086.2); short protein forms A458V, A335V, A426V, A546V, A563V, A580V.
Identifiers: ClinVar variation 747601 (VCV000747601.12), dbSNP rs200411817, ClinGen allele CA8678221.

ClinVar aggregate classification (germline): Conflicting classifications of pathogenicity. Review status: criteria provided, conflicting classifications (1 of 4 stars). 4 submissions from 4 submitters: Uncertain significance (1); Likely benign (3). Last evaluated 2026-05-14.

Conditions:
TRIM37-related disorder. Also called: TRIM37-related condition.
Mulibrey nanism syndrome. Also called: MUSCLE-LIVER-BRAIN-EYE NANISM; PERHEENTUPA SYNDROME; PERICARDIAL CONSTRICTION AND GROWTH FAILURE. Identifiers: Orphanet 2576, MedGen C0524582, MONDO:0009664, OMIM 253250.

Allele frequency attached by ClinVar (database versions not stated): gnomAD exomes 0.00007 and 0.00031; gnomAD 0.00009 and 0.00010; TOPMed 0.00017; ExAC 0.00029; 1000 Genomes Project 0.00060; 1000 Genomes Project 30x 0.00062.
gnomAD v4.1: 114 of 1,613,810 alleles (0.0071%); highest among the groups gnomAD compares: East Asian, 0.24%; no homozygotes.

Submissions (4):

PreventionGenetics, part of Exact Sciences
Classification: Likely benign for TRIM37-related condition. Last evaluated: 2026-05-14. Review status: criteria provided, single submitter. Criteria: ACMG Guidelines, 2015. Collection method: clinical testing. Allele origin: germline.
Comment: This variant is classified as likely benign based on ACMG/AMP sequence variant interpretation guidelines (Richards et al. 2015 PMID: 25741868, with internal and published modifications).

Labcorp Genetics (formerly Invitae), Labcorp
Classification: Likely benign. Last evaluated: 2026-01-15. Review status: criteria provided, single submitter. Criteria: Invitae Variant Classification Sherloc (09022015). Collection method: clinical testing. Allele origin: germline.

Department of Pathology and Laboratory Medicine, Sinai Health System
Classification: Uncertain significance for Mulibrey nanism syndrome. Last evaluated: 2021-11-12. Review status: criteria provided, single submitter. Criteria: ACMG Guidelines, 2015. Collection method: research. Allele origin: germline.

Breakthrough Genomics
Classification: Likely benign. Review status: criteria provided, single submitter. Criteria: ACMG Guidelines, 2015. Collection method: not provided. Allele origin: germline. Inheritance: Autosomal recessive inheritance. Affected: yes.